The following is an entry in ClinVar:

ClinVar aggregate classification (germline): Likely benign. Review status: criteria provided, single submitter (1 of 4 stars). 2 submissions from 2 submitters: Likely benign (1). 1 of the submissions does not count toward it. Last evaluated 2025-01-09.

Conditions:
DDOST-related disorder. Also called: DDOST-related condition.
Congenital disorder of glycosylation type Ir (CDG1R). Also called: DDOST-congenital disorder of glycosylation. Identifiers: Orphanet 300536, MedGen C3281084, MONDO:0013789, OMIM 614507.

Allele frequency attached by ClinVar (database versions not stated): gnomAD exomes 0.00005 and 0.00007; ExAC 0.00009; gnomAD 0.00029 and 0.00034; TOPMed 0.00039; ESP Exome Variant Server 0.00054.
gnomAD v4.1: 119 of 1,613,976 alleles (0.0074%); highest among the groups gnomAD compares: African/African-American, 0.15%; no homozygotes.

Submissions (2):

Labcorp Genetics (formerly Invitae), Labcorp
Classification: Likely benign for Congenital disorder of glycosylation type Ir. Last evaluated: 2025-01-09. Review status: criteria provided, single submitter. Criteria: Invitae Variant Classification Sherloc (09022015). Collection method: clinical testing. Allele origin: germline.

PreventionGenetics, part of Exact Sciences
Classification: Likely benign for DDOST-related condition. Last evaluated: 2019-04-08. Review status: no assertion criteria provided. Collection method: clinical testing. Allele origin: germline. Not counted in ClinVar's aggregate classification.
Comment: This variant is classified as likely benign based on ACMG/AMP sequence variant interpretation guidelines (Richards et al. 2015 PMID: 25741868, with internal and published modifications).

NM_005216.5(DDOST):c.384C>T (p.Cys128=)

Gene: DDOST (dolichyl-diphosphooligosaccharide--protein glycosyltransferase non-catalytic subunit; minus strand). Cytogenetic location: 1p36.12.
Variant type: single nucleotide variant.
Coding change: c.384C>T on transcript NM_005216.5 (MANE Select); coding-DNA position 384, C replaced by T.
Protein change: p.Cys128=; no amino-acid change (cysteine 128 retained).
Molecular consequence: synonymous variant.
Genome position (GRCh38, 1-based): chr1:20,655,748, G>A on the plus strand (C>T on the coding strand, the complement: DDOST is on the minus strand). VCF-style: chr1-20655748-G-A. GRCh37 (hg19) VCF-style: chr1-20982241-G-A.
Identifiers: ClinVar variation 295150 (VCV000295150.11), dbSNP rs148134377, ClinGen allele CA661250.